The following is an entry in ClinVar:

ClinVar aggregate classification (germline): Likely pathogenic. Review status: criteria provided, multiple submitters, no conflicts (2 of 4 stars). 2 submissions from 2 submitters: Likely pathogenic (2). Last evaluated 2023-12-20.

Submissions (2):

Genetic Services Laboratory, University of Chicago
Classification: Likely pathogenic. Last evaluated: 2023-12-20. Review status: criteria provided, single submitter. Criteria: ACMG Guidelines, 2015. Collection method: clinical testing. Allele origin: germline. Affected: yes.
Comment: DNA sequence analysis of the VARS2 gene demonstrated a one base pair deletion in exon 20, c.1925del. This likely pathogenic sequence change results in an amino acid frameshift and creates a premature stop codon 48 amino acids downstream of the change, p.Leu642Argfs*48. This likely pathogenic sequence change is predicted to result in an abnormal transcript, which may be degraded, or may lead to the production of a truncated VARS2 protein with potentially abnormal function. This sequence change has been described in the gnomAD database with a frequency of 0.005% in the overall population (dbSNP rs759488260). This likely pathogenic sequence change has previously been described in the compound heterozygous state with a variant of unknown significance in VARS2 in an individual with a mitochondrial disorder (PMID: 33204598). These collective evidences indicate this sequence change is likely pathogenic.

GeneDx
Classification: Likely pathogenic. Last evaluated: 2023-12-12. Review status: criteria provided, single submitter. Criteria: GeneDx Variant Classification Process June 2021. Collection method: clinical testing. Allele origin: germline. Affected: yes.
Comment: Frameshift variant predicted to result in protein truncation or nonsense mediated decay in a gene for which loss of function is a known mechanism of disease; Identified with a second VARS2 variant in an infant diagnosed with a mitochondrial disorder (PMID: 33204598); Not observed at significant frequency in large population cohorts (gnomAD); This variant is associated with the following publications: (PMID: 33204598)

NM_020442.6(VARS2):c.1835del (p.Leu612fs)

Genes: VARS2 (valyl-tRNA synthetase 2, mitochondrial; plus strand), LOC126859646 (MED14-independent group 3 enhancer GRCh37_chr6:30889690-30890889; plus strand). Cytogenetic location: 6p21.33.
Variant type: Deletion.
Coding change: c.1835del on transcript NM_020442.6 (MANE Select); coding-DNA position 1835, one base deleted (T; older notation c.1835delT).
Protein change: p.Leu612fs; shifts the reading frame from leucine 612.
Molecular consequence: frameshift variant.
Genome position (GRCh38, 1-based): chr6:30,922,144, T deleted. VCF-style (leftmost placement, unchanged base first): chr6-30922143-CT-C. GRCh37 (hg19) VCF-style: chr6-30889920-CT-C.
Other names: c.1415del, p.Leu472fs (NM_001167733.3); c.1925del, p.Leu642fs (NM_001167734.2); short protein forms L472fs, L612fs, L642fs.
Identifiers: ClinVar variation 3343878 (VCV003343878.3).
Genomic context (GRCh38, chr6:30,922,143, plus strand): 5'-GCCTGGGCCTCTTACTGCTCCTCTTCCCCCTAGACCCCAGACCTTGCTCGTTTCTACCCC[CT>C]GTCACTTTTGGAAACGGGCAGCGACCTTCTGCTGTTCTGGGTGGGCCGCATGGTCATGTT-3'